The following is an entry in ClinVar:

NM_001793.6(CDH3):c.1765A>T (p.Ile589Phe)

Gene: CDH3 (cadherin 3; plus strand). Cytogenetic location: 16q22.1.
Variant type: single nucleotide variant.
Coding change: c.1765A>T on transcript NM_001793.6 (MANE Select); coding-DNA position 1765, A replaced by T.
Protein change: p.Ile589Phe; replaces isoleucine 589 with phenylalanine.
Molecular consequence: missense variant.
Genome position (GRCh38, 1-based): chr16:68,687,706, A>T. VCF-style: chr16-68687706-A-T. GRCh37 (hg19) VCF-style: chr16-68721609-A-T.
Other names: c.1765A>T, p.Ile589Phe (NM_001317195.3); c.1600A>T, p.Ile534Phe (NM_001317196.2); short protein forms I534F, I589F.
Identifiers: ClinVar variation 1463980 (VCV001463980.8), dbSNP rs761910448, ClinGen allele CA396454973.
Genomic context (GRCh38, chr16:68,687,706, plus strand): 5'-GACAAGGACCTGTCTCCCCACACCTCCCCTTTCCAGGCCCAGCTCACAGATGACTCAGAC[A>T]TCTACTGGACGGCAGAGGTCAACGAGGAAGGTACCTGAGTGAGTGGTGGTAGCGGGTGGG-3'
Protein context (NP_001784.2, residues 579-599): FQAQLTDDSD[Ile589Phe]YWTAEVNEEG

ClinVar aggregate classification (germline): Uncertain significance (1 of 4 stars; one submission).

gnomAD v4.1: 5 of 1,614,002 alleles (0.00031%); highest among the groups gnomAD compares: Non-Finnish European, 0.00042%; no homozygotes.

Submission:

Labcorp Genetics (formerly Invitae), Labcorp
Classification: Uncertain significance. Last evaluated: 2023-09-05. Review status: criteria provided, single submitter. Criteria: Invitae Variant Classification Sherloc (09022015). Collection method: clinical testing. Allele origin: germline.
Comment: In summary, the available evidence is currently insufficient to determine the role of this variant in disease. Therefore, it has been classified as a Variant of Uncertain Significance. Advanced modeling of protein sequence and biophysical properties (such as structural, functional, and spatial information, amino acid conservation, physicochemical variation, residue mobility, and thermodynamic stability) performed at Invitae indicates that this missense variant is not expected to disrupt CDH3 protein function. ClinVar contains an entry for this variant (Variation ID: 1463980). This variant has not been reported in the literature in individuals affected with CDH3-related conditions. This variant is not present in population databases (gnomAD no frequency). This sequence change replaces isoleucine, which is neutral and non-polar, with phenylalanine, which is neutral and non-polar, at codon 589 of the CDH3 protein (p.Ile589Phe).